The following is an entry in ClinVar:

ClinVar aggregate classification (germline): Uncertain significance (1 of 4 stars; one submission).

gnomAD v4.1: 2 of 1,605,878 alleles (0.00012%); highest among the groups gnomAD compares: Non-Finnish European, 0.00017%; no homozygotes.

Submission:

Labcorp Genetics (formerly Invitae), Labcorp
Classification: Uncertain significance. Last evaluated: 2025-04-22. Review status: criteria provided, single submitter. Criteria: Invitae Variant Classification Sherloc (09022015). Collection method: clinical testing. Allele origin: germline.
Comment: This sequence change replaces glutamic acid, which is acidic and polar, with glycine, which is neutral and non-polar, at codon 915 of the COL7A1 protein (p.Glu915Gly). This variant is not present in population databases (gnomAD no frequency). This variant has not been reported in the literature in individuals affected with COL7A1-related conditions. Invitae Evidence Modeling of protein sequence and biophysical properties (such as structural, functional, and spatial information, amino acid conservation, physicochemical variation, residue mobility, and thermodynamic stability) indicates that this missense variant is not expected to disrupt COL7A1 protein function with a negative predictive value of 95%. In summary, the available evidence is currently insufficient to determine the role of this variant in disease. Therefore, it has been classified as a Variant of Uncertain Significance.

NM_000094.4(COL7A1):c.2744A>G (p.Glu915Gly)

Gene: COL7A1 (collagen type VII alpha 1 chain; minus strand). Cytogenetic location: 3p21.31.
Variant type: single nucleotide variant.
Coding change: c.2744A>G on transcript NM_000094.4 (MANE Select); coding-DNA position 2744, A replaced by G.
Protein change: p.Glu915Gly; replaces glutamic acid 915 with glycine.
Molecular consequence: missense variant.
Genome position (GRCh38, 1-based): chr3:48,587,906, T>C on the plus strand (A>G on the coding strand, the complement: COL7A1 is on the minus strand). VCF-style: chr3-48587906-T-C. GRCh37 (hg19) VCF-style: chr3-48625339-T-C.
Other names: short protein forms E915G.
Identifiers: ClinVar variation 4770571 (VCV004770571.1).